The following is an entry in ClinVar:

NM_005720.4(ARPC1B):c.231C>T (p.Tyr77=)

Gene: ARPC1B (actin related protein 2/3 complex subunit 1B; plus strand). Cytogenetic location: 7q22.1.
Variant type: single nucleotide variant.
Coding change: c.231C>T on transcript NM_005720.4 (MANE Select); coding-DNA position 231, C replaced by T.
Protein change: p.Tyr77=; no amino-acid change (tyrosine 77 retained).
Molecular consequence: synonymous variant.
Genome position (GRCh38, 1-based): chr7:99,388,100, C>T. VCF-style: chr7-99388100-C-T. GRCh37 (hg19) VCF-style: chr7-98985723-C-T.
Other names: c.231C>T (NM_005720.3).
Identifiers: ClinVar variation 1601479 (VCV001601479.23), dbSNP rs116204707, ClinGen allele CA4363957.

ClinVar aggregate classification (germline): Benign/Likely benign. Review status: criteria provided, multiple submitters, no conflicts (2 of 4 stars). 4 submissions from 4 submitters: Benign (1); Likely benign (3). Last evaluated 2026-01-12.

Conditions:
ARPC1B-related disorder. Also called: ARPC1B-related condition.

Allele frequency attached by ClinVar (database versions not stated): gnomAD exomes 0.00014 and 0.00036; ExAC 0.00042; gnomAD 0.00127 and 0.00137; TOPMed 0.00135; ESP Exome Variant Server 0.00161; 1000 Genomes Project 30x 0.00172; 1000 Genomes Project 0.00180.
gnomAD v4.1: 408 of 1,614,166 alleles (0.025%); highest among the groups gnomAD compares: African/African-American, 0.41%; 1 homozygote.

Submissions (4):

Labcorp Genetics (formerly Invitae), Labcorp
Classification: Benign. Last evaluated: 2026-01-12. Review status: criteria provided, single submitter. Criteria: Invitae Variant Classification Sherloc (09022015). Collection method: clinical testing. Allele origin: germline.

PreventionGenetics, part of Exact Sciences
Classification: Likely benign for ARPC1B-related condition. Last evaluated: 2025-04-25. Review status: criteria provided, single submitter. Criteria: ACMG Guidelines, 2015. Collection method: clinical testing. Allele origin: germline.
Comment: This variant is classified as likely benign based on ACMG/AMP sequence variant interpretation guidelines (Richards et al. 2015 PMID: 25741868, with internal and published modifications).

CeGaT Center for Human Genetics Tuebingen
Classification: Likely benign. Last evaluated: 2024-12-01. Review status: criteria provided, single submitter. Criteria: CeGaT Center For Human Genetics Tuebingen Variant Classification Criteria Version 2. Collection method: clinical testing. Allele origin: germline. Affected: yes. Observed: 1 variant allele.
Comment: ARPC1B: BP4, BP7

Blueprint Genetics
Classification: Likely benign. Last evaluated: 2024-08-06. Review status: criteria provided, single submitter. Criteria: ACMG Guidelines, 2015. Collection method: clinical testing. Allele origin: germline.